The following is an entry in ClinVar:

NM_002439.5(MSH3):c.905A>G (p.Tyr302Cys)

Gene: MSH3 (mutS homolog 3; plus strand). Cytogenetic location: 5q14.1.
Variant type: single nucleotide variant.
Coding change: c.905A>G on transcript NM_002439.5 (MANE Select); coding-DNA position 905, A replaced by G.
Protein change: p.Tyr302Cys; replaces tyrosine 302 with cysteine.
Molecular consequence: missense variant.
Genome position (GRCh38, 1-based): chr5:80,672,356, A>G. VCF-style: chr5-80672356-A-G. GRCh37 (hg19) VCF-style: chr5-79968175-A-G.
Other names: c.905A>G (NM_002439.3); short protein forms Y302C.
Identifiers: ClinVar variation 954156 (VCV000954156.11), dbSNP rs1675425192, ClinGen allele CA360267290.

ClinVar aggregate classification (germline): Uncertain significance. Review status: criteria provided, multiple submitters, no conflicts (2 of 4 stars). 3 submissions from 3 submitters: Uncertain significance (3). Last evaluated 2024-05-08.

Conditions:
Hereditary cancer-predisposing syndrome. Also called: Hereditary neoplastic syndrome; Tumor predisposition; Neoplastic Syndromes, Hereditary; Hereditary Cancer Syndrome. Identifiers: Orphanet 140162, MedGen C0027672, MeSH D009386, MONDO:0015356.
Endometrial carcinoma. Also called: Endometrial carcinoma, somatic. Identifiers: MedGen C0476089, MONDO:0002447, OMIM 608089, HP:0012114.

Allele frequency attached by ClinVar (database versions not stated): gnomAD exomes below 0.00001; TOPMed below 0.00001.
gnomAD v4.1: 6 of 1,608,620 alleles (0.00037%); highest among the groups gnomAD compares: East Asian, 0.0022%; no homozygotes.

Submissions (3):

Labcorp Genetics (formerly Invitae), Labcorp
Classification: Uncertain significance. Last evaluated: 2024-05-08. Review status: criteria provided, single submitter. Criteria: Invitae Variant Classification Sherloc (09022015). Collection method: clinical testing. Allele origin: germline.
Comment: This sequence change replaces tyrosine, which is neutral and polar, with cysteine, which is neutral and slightly polar, at codon 302 of the MSH3 protein (p.Tyr302Cys). This variant is not present in population databases (gnomAD no frequency). This variant has not been reported in the literature in individuals affected with MSH3-related conditions. ClinVar contains an entry for this variant (Variation ID: 954156). An algorithm developed to predict the effect of missense changes on protein structure and function (PolyPhen-2) suggests that this variant is likely to be disruptive. In summary, the available evidence is currently insufficient to determine the role of this variant in disease. Therefore, it has been classified as a Variant of Uncertain Significance.

Ambry Genetics
Classification: Uncertain significance for Hereditary cancer-predisposing syndrome. Last evaluated: 2023-12-05. Review status: criteria provided, single submitter. Criteria: Ambry Variant Classification Scheme 2023. Collection method: clinical testing. Allele origin: germline.
Comment: The p.Y302C variant (also known as c.905A>G), located in coding exon 5 of the MSH3 gene, results from an A to G substitution at nucleotide position 905. The tyrosine at codon 302 is replaced by cysteine, an amino acid with highly dissimilar properties. This amino acid position is not well conserved in available vertebrate species. In addition, this alteration is predicted to be deleterious by in silico analysis. Since supporting evidence is limited at this time, the clinical significance of this alteration remains unclear.

Baylor Genetics
Classification: Uncertain significance for Endometrial carcinoma. Last evaluated: 2023-04-17. Review status: criteria provided, single submitter. Criteria: ACMG Guidelines, 2015. Collection method: clinical testing. Allele origin: unknown.